The following is an entry in ClinVar:

ClinVar aggregate classification (germline): Uncertain significance. Review status: criteria provided, multiple submitters, no conflicts (2 of 4 stars). 2 submissions from 2 submitters: Uncertain significance (2). Last evaluated 2024-06-20.

Conditions:
COACH syndrome 2. Identifiers: MedGen C5436837, MONDO:0030859, OMIM 619111.
Meckel syndrome, type 6. Identifiers: Orphanet 564, MedGen C2676790, MONDO:0012848, OMIM 612284.
Retinitis pigmentosa 93. Identifiers: MedGen C5676970, MONDO:0030797, OMIM 619845.
Joubert syndrome 9 (JBTS9). Identifiers: Orphanet 2318, MedGen C2676788, MONDO:0012849, OMIM 612285.
Joubert syndrome. Also called: JOUBERT-BOLTSHAUSER SYNDROME; Familial aplasia of the vermis. Identifiers: Orphanet 475, MedGen C5979921, MONDO:0018772.
Meckel-Gruber syndrome. Also called: DYSENCEPHALIA SPLANCHNOCYSTICA; GRUBER SYNDROME; Dysencephalia splachnocystica. Identifiers: Orphanet 564, MedGen C0265215, MONDO:0018921.

Allele frequency attached by ClinVar (database versions not stated): gnomAD exomes 0.00001; ExAC 0.00002; gnomAD 0.00003; TOPMed 0.00003; ESP Exome Variant Server 0.00017.
gnomAD v4.1: 11 of 1,612,252 alleles (0.00068%); highest among the groups gnomAD compares: Middle Eastern, 0.049%; no homozygotes.

Submissions (2):

Fulgent Genetics
Classification: Uncertain significance for Meckel syndrome, type 6; Joubert syndrome 9; COACH syndrome 2; Retinitis pigmentosa 93. Last evaluated: 2024-06-20. Review status: criteria provided, single submitter. Criteria: ACMG Guidelines, 2015. Collection method: clinical testing. Allele origin: germline.

Labcorp Genetics (formerly Invitae), Labcorp
Classification: Uncertain significance for Joubert syndrome; Meckel-Gruber syndrome. Last evaluated: 2022-09-06. Review status: criteria provided, single submitter. Criteria: Invitae Variant Classification Sherloc (09022015). Collection method: clinical testing. Allele origin: germline.
Comment: This sequence change replaces serine, which is neutral and polar, with glycine, which is neutral and non-polar, at codon 1580 of the CC2D2A protein (p.Ser1580Gly). This variant is present in population databases (rs377460557, gnomAD 0.02%). This variant has not been reported in the literature in individuals affected with CC2D2A-related conditions. ClinVar contains an entry for this variant (Variation ID: 1470104). Advanced modeling of protein sequence and biophysical properties (such as structural, functional, and spatial information, amino acid conservation, physicochemical variation, residue mobility, and thermodynamic stability) performed at Invitae indicates that this missense variant is expected to disrupt CC2D2A protein function. In summary, the available evidence is currently insufficient to determine the role of this variant in disease. Therefore, it has been classified as a Variant of Uncertain Significance.

NM_001378615.1(CC2D2A):c.4738A>G (p.Ser1580Gly)

Genes: FBXL5 (F-box and leucine rich repeat protein 5; minus strand), CC2D2A (coiled-coil and C2 domain containing 2A; plus strand). Cytogenetic location: 4p15.32.
Variant type: single nucleotide variant.
Coding change: c.4738A>G on transcript NM_001378615.1 (MANE Select); coding-DNA position 4738, A replaced by G.
Protein change: p.Ser1580Gly; replaces serine 1580 with glycine.
Molecular consequence: missense variant.
Genome position (GRCh38, 1-based): chr4:15,601,300, A>G. VCF-style: chr4-15601300-A-G. GRCh37 (hg19) VCF-style: chr4-15602923-A-G.
Other names: c.4738A>G, p.Ser1580Gly (NM_001080522.2); c.4591A>G, p.Ser1531Gly (NM_001378617.1); short protein forms S1531G, S1580G.
Identifiers: ClinVar variation 1470104 (VCV001470104.4), dbSNP rs377460557, ClinGen allele CA2864470.
Genomic context (GRCh38, chr4:15,601,300, plus strand): 5'-TCTGGATTTCCTCTTCACATGCCTTATTCTGAAGTGAAGCCTTTAATTGACGCTGTGTAT[A>G]GTACTGGAGTACATAATATTGATGTTCCTAATGTTGAATTTGCTTTAGCTGTATACATAC-3'
Protein context (NP_001365544.1, residues 1570-1590): EVKPLIDAVY[Ser1580Gly]TGVHNIDVPN